The following is an entry in ClinVar:

NM_014946.4(SPAST):c.1535_1536+1del

Gene: SPAST (spastin; plus strand). Cytogenetic location: 2p22.3.
Variant type: Microsatellite.
Coding change: c.1535_1536+1del on transcript NM_014946.4 (MANE Select); coding-DNA position 1535 through the canonical splice donor site of the intron after coding-DNA position 1536, 3 bases deleted (AGG; older notation c.1535_1536+1delAGG).
Molecular consequence: splice donor variant.
Genome position (GRCh38, 1-based): chr2:32,141,945-32,141,947, AGG deleted; deleting any 3 consecutive bases within chr2:32,141,941-32,141,947 gives the same sequence; the c. name uses the placement nearest the transcript's 3' end. VCF-style (leftmost placement, unchanged base first): chr2-32141940-TGAG-T. GRCh37 (hg19) VCF-style: chr2-32367009-TGAG-T.
Other names: c.1439_1440+1del (NM_199436.2, NM_001377959.1); c.1532_1533+1del (NM_001363823.2); c.1436_1437+1del (NM_001363875.2); c.1535_1536+1del (NM_014946.3); c.1535_1536+1delAGG (NM_014946.3).
Identifiers: ClinVar variation 583184 (VCV000583184.10), dbSNP rs1558339948, ClinGen allele CA891843425.

ClinVar aggregate classification (germline): Conflicting classifications of pathogenicity. Review status: criteria provided, conflicting classifications (1 of 4 stars). 3 submissions from 3 submitters: Likely pathogenic (2); Uncertain significance (1). Last evaluated 2025-08-20.

Conditions:
Hereditary spastic paraplegia 4. Also called: Familial spastic paraplegia autosomal dominant 2; Spastic paraplegia 4, autosomal dominant; Spastic Paraplegia 4. Identifiers: Orphanet 100985, MedGen C1866855, MONDO:0008438, OMIM 182601.

Submissions (3):

Institute of Medical Genetics and Applied Genomics, University Hospital Tübingen
Classification: Likely pathogenic for Hereditary spastic paraplegia 4. Last evaluated: 2025-08-20. Review status: criteria provided, single submitter. Criteria: ACMG Guidelines, 2015. Collection method: clinical testing. Allele origin: germline. Inheritance: Autosomal dominant inheritance. Affected: yes.

Athena Diagnostics
Classification: Uncertain significance. Last evaluated: 2024-03-26. Review status: criteria provided, single submitter. Criteria: Athena Diagnostics Criteria. Collection method: clinical testing. Allele origin: unknown.
Comment: Available data are insufficient to determine the clinical significance of the variant at this time. This variant has been identified in at least one individual with clinical features associated with this gene. This variant has not been reported in large, multi-ethnic general populations. In some published literature, this variant is referred to as c.1534_1536del (p.Glu512del). Computational tools yielded predictions that this variant may interfere with normal RNA splicing. The majority of algorithms predict the loss of the natural splice donor site and the gain of a new splice donor site. If the new splice donor site is used, the result will be an in-frame deletion of a single amino acid. Therefore, the effect of this change (if any) on protein function is unclear. The variant is located in a region that is considered important for protein function and/or structure.

Labcorp Genetics (formerly Invitae), Labcorp
Classification: Likely pathogenic for Hereditary spastic paraplegia 4. Last evaluated: 2024-02-24. Review status: criteria provided, single submitter. Criteria: Invitae Variant Classification Sherloc (09022015). Collection method: clinical testing. Allele origin: germline.
Comment: This variant, c.1534_1536del, results in the deletion of 1 amino acid(s) of the SPAST protein (p.Glu512del), but otherwise preserves the integrity of the reading frame. This variant is not present in population databases (gnomAD no frequency). This variant has been observed in individuals with hereditary spastic paraplegia (PMID: 2056246, 28572275; Invitae). This variant is also known as c.1535_1536+1del. ClinVar contains an entry for this variant (Variation ID: 583184). In summary, the currently available evidence indicates that the variant is pathogenic, but additional data are needed to prove that conclusively. Therefore, this variant has been classified as Likely Pathogenic.

Literature cited by the submitters: PubMed 20562464 (cited by Athena Diagnostics); PubMed 28572275 (cited by Athena Diagnostics and Labcorp Genetics (formerly Invitae), Labcorp); PubMed 36855133 (cited by Athena Diagnostics); PubMed 2056246 (cited by Labcorp Genetics (formerly Invitae), Labcorp).